The following is an entry in ClinVar:

NM_000478.6(ALPL):c.435C>G (p.Asn145Lys)

Gene: ALPL (alkaline phosphatase, biomineralization associated; plus strand). Cytogenetic location: 1p36.12.
Variant type: single nucleotide variant.
Coding change: c.435C>G on transcript NM_000478.6 (MANE Select); coding-DNA position 435, C replaced by G.
Protein change: p.Asn145Lys; replaces asparagine 145 with lysine.
Molecular consequence: missense variant.
Genome position (GRCh38, 1-based): chr1:21,563,247, C>G. VCF-style: chr1-21563247-C-G. GRCh37 (hg19) VCF-style: chr1-21889740-C-G.
Other names: c.270C>G, p.Asn90Lys (NM_001127501.4); c.204C>G, p.Asn68Lys (NM_001177520.3); c.435C>G, p.Asn145Lys (NM_001369803.2, NM_001369804.2, NM_001369805.2); short protein forms N145K, N68K, N90K.
Identifiers: ClinVar variation 4974803 (VCV004974803.1).
Genomic context (GRCh38, chr1:21,563,247, plus strand): 5'-GGGCACCGTGGGGGTAAGCGCAGCCACTGAGCGTTCCCGGTGCAACACCACCCAGGGGAA[C>G]GAGGTCACCTCCATCCTGCGCTGGGCCAAGGACGCTGGTGAGTCGGGGGAGCAGTGGGGA-3'
Protein context (NP_000469.3, residues 135-155): ERSRCNTTQG[Asn145Lys]EVTSILRWAK

ClinVar aggregate classification (germline): Uncertain significance (1 of 4 stars; one submission).

Conditions:
Hypophosphatasia. Also called: Phosphoethanol-aminuria. Identifiers: Orphanet 436, MedGen C0020630, MeSH D007014, MONDO:0018570.

Submission:

Genomenon, Inc
Classification: Uncertain significance for Hypophosphatasia. Last evaluated: 2026-09-01. Review status: criteria provided, single submitter. Criteria: Genomenon Sequence Variant Interpretation Standards - Updated. Collection method: curation. Allele origin: germline. Affected: no.
Comment: ALPL p.Asn145Lys (c.435C>G) is a missense variant that changes the amino acid at codon 145 from Asparagine to Lysine. This variant has been reported in the published literature (PMID:39983296). It is absent or not present at a significant frequency in gnomAD. In conclusion, we classify ALPL p.Asn145Lys (c.435C>G) as a variant of uncertain significance.

Literature cited by the submitters: PubMed 39983296.